The following is an entry in ClinVar:

ClinVar aggregate classification (germline): Conflicting classifications of pathogenicity. Review status: criteria provided, conflicting classifications (1 of 4 stars). 6 submissions from 6 submitters: Uncertain significance (4); Benign (1); Likely benign (1). Last evaluated 2025-04-16.

Conditions:
Oto-palato-digital syndrome, type II (OPD2). Also called: Otopalatodigital Syndrome, Type II; FACIOPALATOOSSEOUS SYNDROME; OPD II SYNDROME; Otopalatodigital Syndrome Type 2 (FLNA-OPD2). Identifiers: Orphanet 669, Orphanet 90652, MedGen C1844696, MONDO:0010571, OMIM 304120.
Frontometaphyseal dysplasia (FMD1). Identifiers: Orphanet 1826, MedGen C0265293, MONDO:0015942.
Heterotopia, periventricular, X-linked dominant (PVNH1). Also called: PERIVENTRICULAR NODULAR HETEROTOPIA 1; X-linked periventricular heterotopia; PERIVENTRICULAR NODULAR HETEROTOPIA 4; HETEROTOPIA, PERIVENTRICULAR, 1. Identifiers: Orphanet 2149, Orphanet 82004, MedGen C1848213, MONDO:0010233, OMIM 300049.
Melnick-Needles syndrome (MNS). Also called: MELNICK-NEEDLES OSTEODYSPLASTY; OSTEODYSPLASTY OF MELNICK AND NEEDLES; Melnick-Needles Syndrome (FLNA-MNS). Identifiers: Orphanet 2484, MedGen C0025237, MONDO:0010650, OMIM 309350.
Cardiac valvular dysplasia, X-linked (CVDPX). Also called: MYXOMATOUS VALVULAR DYSTROPHY, X-LINKED; FLNA-Related X-linked Cardiac Valvular Dysplasia; VALVULAR HEART DISEASE, CONGENITAL; Congenital valvular dysplasia; Isolated X-Linked Cardiac Valvular Dysplasia. Identifiers: Orphanet 1864, Orphanet 555877, Orphanet 75497, MedGen C0262436, MONDO:0010753, OMIM 314400.
Oto-palato-digital syndrome, type I (OPD1). Also called: Otopalatodigital Syndrome, Type I; OPD I SYNDROME; OPD SYNDROME 1; Otopalatodigital Syndrome Type 1 (FLNA-OPD1); Taybi syndrome. Identifiers: Orphanet 669, Orphanet 90650, MedGen C0265251, MONDO:0010704, OMIM 311300.
Intestinal pseudoobstruction, neuronal, chronic idiopathic, X-linked (CIIPX). Also called: CONGENITAL IDIOPATHIC INTESTINAL PSEUDOOBSTRUCTION; INTESTINAL PSEUDOOBSTRUCTION, NEURONAL, CHRONIC IDIOPATHIC, WITH CENTRAL NERVOUS SYSTEM INVOLVEMENT; FLNA-Related Periventricular Nodular Heterotopia (FLNA-Related PVNH; Huttenlocher Syndrome). Identifiers: Orphanet 2301, MedGen C2746068, MONDO:0010232, OMIM 300048.
FG syndrome 2 (FGS2). Identifiers: MedGen C1845902, MONDO:0010297, OMIM 300321.
Terminal osseous dysplasia-pigmentary defects syndrome. Also called: ODPD; TERMINAL OSSEOUS DYSPLASIA AND PIGMENTARY DEFECTS; ODPF SYNDROME; OSSEOUS DYSPLASIA, DIGITAL, WITH FACIAL PIGMENTARY DEFECTS AND MULTIPLE FRENULA; Terminal Osseous Dysplasia (FLNA-TOD). Identifiers: Orphanet 88630, MedGen C1846129, MONDO:0010279, OMIM 300244.
Frontometaphyseal dysplasia 1 (FMD1). Also called: Frontometaphyseal Dysplasia (FLNA-FMD). Identifiers: Orphanet 1826, MedGen C4281559, MONDO:0024550, OMIM 305620.
Familial thoracic aortic aneurysm and aortic dissection (TAAD). Also called: Thoracic aortic aneurysms and dissections. Identifiers: Orphanet 91387, MedGen C4707243, MONDO:0019625.

Allele frequency attached by ClinVar (database versions not stated): gnomAD 0.00001; gnomAD exomes 0.00001; TOPMed 0.00004.
gnomAD v4.1: 7 of 1,210,128 alleles (0.00058%); highest among the groups gnomAD compares: African/African-American, 0.0017%; no homozygotes.

Submissions (6):

Ambry Genetics
Classification: Uncertain significance for Familial thoracic aortic aneurysm and aortic dissection. Last evaluated: 2025-04-16. Review status: criteria provided, single submitter. Criteria: Ambry Variant Classification Scheme 2023. Collection method: clinical testing. Allele origin: germline.
Comment: The p.K2232R variant (also known as c.6695A>G), located in coding exon 39 of the FLNA gene, results from an A to G substitution at nucleotide position 6695. The lysine at codon 2232 is replaced by arginine, an amino acid with highly similar properties. This amino acid position is highly conserved in available vertebrate species. In addition, the in silico prediction for this alteration is inconclusive. Based on data from gnomAD, the G allele has an overall frequency of 0.0011% (2/179231) total alleles studied, with 1 hemizygote(s) observed. The highest observed frequency was 0.0082% (1/12204) of African/African American alleles. Based on the available evidence, the clinical significance of this variant remains unclear.

Labcorp Genetics (formerly Invitae), Labcorp
Classification: Benign for Oto-palato-digital syndrome, type II; Heterotopia, periventricular, X-linked dominant; Frontometaphyseal dysplasia; Melnick-Needles syndrome. Last evaluated: 2024-11-16. Review status: criteria provided, single submitter. Criteria: Invitae Variant Classification Sherloc (09022015). Collection method: clinical testing. Allele origin: germline.

GeneDx
Classification: Likely benign. Last evaluated: 2022-03-07. Review status: criteria provided, single submitter. Criteria: GeneDx Variant Classification Process June 2021. Collection method: clinical testing. Allele origin: germline. Affected: yes.
Comment: Has not been previously published as pathogenic or benign to our knowledge; Reported in ClinVar as a variant of uncertain significance (ClinVar Variant ID# 211024; ClinVar); In silico analysis supports that this missense variant does not alter protein structure/function

Fulgent Genetics
Classification: Uncertain significance for Intestinal pseudoobstruction, neuronal, chronic idiopathic, X-linked; Heterotopia, periventricular, X-linked dominant; Terminal osseous dysplasia-pigmentary defects syndrome; FG syndrome 2; Oto-palato-digital syndrome, type II; Frontometaphyseal dysplasia 1; Melnick-Needles syndrome; Oto-palato-digital syndrome, type I; Cardiac valvular dysplasia, X-linked. Last evaluated: 2018-10-31. Review status: criteria provided, single submitter. Criteria: ACMG Guidelines, 2015. Collection method: clinical testing. Allele origin: unknown.

Mayo Clinic Laboratories, Mayo Clinic
Classification: Uncertain significance for Heterotopia, periventricular, X-linked dominant. Last evaluated: 2016-02-11. Review status: criteria provided, single submitter. Criteria: ACMG Guidelines, 2015. Collection method: clinical testing. Allele origin: maternal.

Genetic Services Laboratory, University of Chicago
Classification: Uncertain significance. Last evaluated: 2015-04-09. Review status: criteria provided, single submitter. Criteria: ACMG Guidelines, 2015. Collection method: clinical testing. Allele origin: germline.

NM_001110556.2(FLNA):c.6719A>G (p.Lys2240Arg)

Gene: FLNA (filamin A; minus strand). Cytogenetic location: Xq28.
Variant type: single nucleotide variant.
Coding change: c.6719A>G on transcript NM_001110556.2 (MANE Select); coding-DNA position 6719, A replaced by G.
Protein change: p.Lys2240Arg; replaces lysine 2240 with arginine.
Molecular consequence: missense variant.
Genome position (GRCh38, 1-based): chrX:154,352,231, T>C on the plus strand (A>G on the coding strand, the complement: FLNA is on the minus strand). VCF-style: chrX-154352231-T-C. GRCh37 (hg19) VCF-style: chrX-153580599-T-C.
Other names: c.6695A>G, p.Lys2232Arg (NM_001456.4); short protein forms K2232R, K2240R.
Identifiers: ClinVar variation 211024 (VCV000211024.23), dbSNP rs797045581, ClinGen allele CA206665.
Genomic context (GRCh38, chrX:154,352,231, plus strand): 5'-GCAGGCCTACCTGGCACTCCAGCTTCAGCTCTCTCCAGGCCAGGGCCCCCAGCTCGGACC[T>C]TGTGGGCTCCCCCTTCCCCTAGGGGCCCCACGGTGAACTGGAAGGGGCTCCCAGGCACGT-3'
Protein context (NP_001104026.1, residues 2230-2250): VGPLGEGGAH[Lys2240Arg]VRAGGPGLER